The following is an entry in ClinVar:

NM_001378964.1(CDON):c.*2097G>A

Gene: CDON (cell adhesion associated, oncogene regulated; minus strand). Cytogenetic location: 11q24.2.
Variant type: single nucleotide variant.
Coding change: c.*2097G>A on transcript NM_001378964.1 (MANE Select); 2097 bases downstream of the stop codon, G replaced by A.
Molecular consequence: 3 prime UTR variant.
Genome position (GRCh38, 1-based): chr11:125,958,845, C>T on the plus strand (G>A on the coding strand, the complement: CDON is on the minus strand). VCF-style: chr11-125958845-C-T. GRCh37 (hg19) VCF-style: chr11-125828740-C-T.
Other names: c.*2097G>A (NM_001243597.3, NM_016952.6).
Identifiers: ClinVar variation 303448 (VCV000303448.5), dbSNP rs76179044, ClinGen allele CA10630333.

ClinVar aggregate classification (germline): Benign (1 of 4 stars; one submission).

Conditions:
Holoprosencephaly 11 (HPE11). Identifiers: Orphanet 2162, MedGen C3280215, MONDO:0013642, OMIM 614226.

Allele frequency attached by ClinVar (database versions not stated): gnomAD 0.01688 and 0.01826; TOPMed 0.01925; 1000 Genomes Project 30x 0.01936; 1000 Genomes Project 0.01717.

Submission:

Illumina Laboratory Services, Illumina
Classification: Benign for Holoprosencephaly 11. Last evaluated: 2018-01-13. Review status: criteria provided, single submitter. Criteria: ICSL Variant Classification Criteria 13 December 2019. Collection method: clinical testing. Allele origin: germline.
Comment: This variant was observed in the ICSL laboratory as part of a predisposition screen in an ostensibly healthy population. It had not been previously curated by ICSL or reported in the Human Gene Mutation Database (HGMD: prior to June 1st, 2018), and was therefore a candidate for classification through an automated scoring system. Utilizing variant allele frequency, disease prevalence and penetrance estimates, and inheritance mode, an automated score was calculated to assess if this variant is too frequent to cause the disease. Based on the score and internal cut-off values, a variant classified as benign is not then subjected to further curation. The score for this variant resulted in a classification of benign for this disease.